The following is an entry in ClinVar:

ClinVar aggregate classification (germline): Uncertain significance. Review status: criteria provided, multiple submitters, no conflicts (2 of 4 stars). 2 submissions from 2 submitters: Uncertain significance (2). Last evaluated 2024-01-03.

Conditions:
Inborn genetic diseases. Identifiers: MedGen C0950123, MeSH D030342.

Allele frequency attached by ClinVar (database versions not stated): ExAC 0.00012; TOPMed below 0.00001; gnomAD 0.00001; gnomAD exomes 0.00002.
gnomAD v4.1: 4 of 1,565,902 alleles (0.00026%); highest among the groups gnomAD compares: East Asian, 0.0094%; no homozygotes.

Submissions (2):

Ambry Genetics
Classification: Uncertain significance for Inborn genetic diseases. Last evaluated: 2024-01-03. Review status: criteria provided, single submitter. Criteria: Ambry Variant Classification Scheme 2023. Collection method: clinical testing. Allele origin: germline.

Labcorp Genetics (formerly Invitae), Labcorp
Classification: Uncertain significance. Last evaluated: 2021-08-24. Review status: criteria provided, single submitter. Criteria: Invitae Variant Classification Sherloc (09022015). Collection method: clinical testing. Allele origin: germline.
Comment: This sequence change replaces leucine with glutamine at codon 24 of the OSTM1 protein (p.Leu24Gln). The leucine residue is weakly conserved and there is a moderate physicochemical difference between leucine and glutamine. This variant is present in population databases (rs774483378, ExAC 0.2%). This variant has not been reported in the literature in individuals affected with OSTM1-related conditions. Algorithms developed to predict the effect of missense changes on protein structure and function are either unavailable or do not agree on the potential impact of this missense change (SIFT: "Deleterious"; PolyPhen-2: "Possibly Damaging"; Align-GVGD: "Class C0"). Algorithms developed to predict the effect of sequence changes on RNA splicing suggest that this variant may create or strengthen a splice site. In summary, the available evidence is currently insufficient to determine the role of this variant in disease. Therefore, it has been classified as a Variant of Uncertain Significance.

NM_014028.4(OSTM1):c.71T>A (p.Leu24Gln)

Genes: OSTM1 (osteoclastogenesis associated transmembrane protein 1; minus strand), LOC129996933 (ATAC-STARR-seq lymphoblastoid silent region 17446; plus strand). Cytogenetic location: 6q21.
Variant type: single nucleotide variant.
Coding change: c.71T>A on transcript NM_014028.4 (MANE Select); coding-DNA position 71, T replaced by A.
Protein change: p.Leu24Gln; replaces leucine 24 with glutamine.
Molecular consequence: missense variant.
Genome position (GRCh38, 1-based): chr6:108,074,581, A>T on the plus strand (T>A on the coding strand, the complement: OSTM1 is on the minus strand). VCF-style: chr6-108074581-A-T. GRCh37 (hg19) VCF-style: chr6-108395785-A-T.
Other names: c.71T>A (NM_014028.3); short protein forms L24Q.
Identifiers: ClinVar variation 1503201 (VCV001503201.6), dbSNP rs774483378, ClinGen allele CA3948139.